The following is an entry in ClinVar:

NM_000179.3(MSH6):c.1908T>G (p.Thr636=)

Gene: MSH6 (mutS homolog 6; plus strand). Cytogenetic location: 2p16.3.
Variant type: single nucleotide variant.
Coding change: c.1908T>G on transcript NM_000179.3 (MANE Select); coding-DNA position 1908, T replaced by G.
Protein change: p.Thr636=; no amino-acid change (threonine 636 retained).
Molecular consequence: synonymous variant. On other transcripts: non-coding transcript variant (5), intron variant (2).
Genome position (GRCh38, 1-based): chr2:47,799,891, T>G. VCF-style: chr2-47799891-T-G. GRCh37 (hg19) VCF-style: chr2-48027030-T-G.
Other names: c.1383T>G, p.Thr461= (NM_001406807.1, NM_001406799.1, NM_001406806.1); c.1908T>G, p.Thr636= (NM_001406808.1, NM_001406809.1, NM_001406796.1 and 3 more transcripts); c.1611T>G, p.Thr537= (NM_001406819.1, NM_001406820.1, NM_001406821.1 and 10 more transcripts); c.1914T>G, p.Thr638= (NM_001406813.1); c.1002T>G, p.Thr334= (NM_001406814.1, NM_001406815.1, NM_001406816.1 and 6 more transcripts); c.1518T>G, p.Thr506= (NM_001281492.2); c.2004T>G, p.Thr668= (NM_001406795.1, NM_001406802.1); c.1830T>G, p.Thr610= (NM_001406804.1); and 3 more.
Identifiers: ClinVar variation 3904756 (VCV003904756.2).

ClinVar aggregate classification (germline): Benign/Likely benign. Review status: criteria provided, multiple submitters, no conflicts (2 of 4 stars). 2 submissions from 2 submitters: Benign (1); Likely benign (1). Last evaluated 2025-08-02.

Conditions:
Lynch syndrome 5 (LYNCH5). Also called: Colorectal cancer, hereditary nonpolyposis, type 5; Hereditary non-polyposis colorectal cancer, type 5. Identifiers: Orphanet 144, MedGen C1833477, MONDO:0013710, OMIM 614350. Disease mechanism: loss of function.
Hereditary cancer-predisposing syndrome. Also called: Hereditary Cancer Syndrome; Hereditary neoplastic syndrome; Neoplastic Syndromes, Hereditary; Tumor predisposition. Identifiers: Orphanet 140162, MedGen C0027672, MeSH D009386, MONDO:0015356.

Submissions (2):

Ambry Genetics
Classification: Likely benign for Hereditary cancer-predisposing syndrome. Last evaluated: 2025-08-02. Review status: criteria provided, single submitter. Criteria: Ambry Variant Classification Scheme 2023. Collection method: clinical testing. Allele origin: germline.

Myriad Genetics, Inc.
Classification: Benign for Lynch syndrome 5. Last evaluated: 2024-12-30. Review status: criteria provided, single submitter. Criteria: Myriad Autosomal Dominant, Autosomal Recessive and X-Linked Classification Criteria (2023). Collection method: clinical testing. Allele origin: unknown.
Comment: This variant is considered benign. This variant is a silent/synonymous amino acid change and it is not expected to impact splicing.